The following is an entry in ClinVar:

NM_148919.4(PSMB8):c.272G>C (p.Arg91Pro)

Gene: PSMB8 (proteasome 20S subunit beta 8; minus strand). Cytogenetic location: 6p21.32.
Variant type: single nucleotide variant.
Coding change: c.272G>C on transcript NM_148919.4 (MANE Select); coding-DNA position 272, G replaced by C.
Protein change: p.Arg91Pro; replaces arginine 91 with proline.
Molecular consequence: missense variant.
Genome position (GRCh38, 1-based): chr6:32,842,965, C>G on the plus strand (G>C on the coding strand, the complement: PSMB8 is on the minus strand). VCF-style: chr6-32842965-C-G. GRCh37 (hg19) VCF-style: chr6-32810742-C-G.
Other names: c.260G>C, p.Arg87Pro (NM_004159.5); short protein forms R87P, R91P.
Identifiers: ClinVar variation 2581896 (VCV002581896.4), dbSNP rs780859553, ClinGen allele CA363589360.

ClinVar aggregate classification (germline): Likely pathogenic (1 of 4 stars; one submission).

Submission:

GeneDx
Classification: Likely pathogenic. Last evaluated: 2026-08-20. Review status: criteria provided, single submitter. Criteria: GeneDx Variant Classification Process June 2021. Collection method: clinical testing. Allele origin: germline.
Comment: Not observed at significant frequency in large population cohorts (gnomAD); In silico analysis supports that this missense variant has a deleterious effect on protein structure/function; This variant is associated with the following publications: (PMID: 42167218)